The following is an entry in ClinVar:

NM_003919.3(SGCE):c.449T>C (p.Ile150Thr)

Genes: CASD1 (CAS1 domain sialic acid O acetyltransferase 1; plus strand), SGCE (sarcoglycan epsilon; minus strand). Cytogenetic location: 7q21.3.
Variant type: single nucleotide variant.
Coding change: c.449T>C on transcript NM_003919.3 (MANE Select); coding-DNA position 449, T replaced by C.
Protein change: p.Ile150Thr; replaces isoleucine 150 with threonine.
Molecular consequence: missense variant.
Genome position (GRCh38, 1-based): chr7:94,623,339, A>G on the plus strand (T>C on the coding strand, the complement: SGCE is on the minus strand). VCF-style: chr7-94623339-A-G. GRCh37 (hg19) VCF-style: chr7-94252651-A-G.
Other names: c.449T>C, p.Ile150Thr (NM_001099400.2, NM_001099401.2, NM_001346717.2); c.326T>C, p.Ile109Thr (NM_001301139.2, NM_001362809.2); c.557T>C, p.Ile186Thr (NM_001346713.2, NM_001346715.2); c.362T>C, p.Ile121Thr (NM_001346719.2, NM_001362807.2); c.176T>C, p.Ile59Thr (NM_001346720.2, NM_001362808.2); short protein forms I121T, I150T, I109T, I186T, I59T.
Identifiers: ClinVar variation 3717453 (VCV003717453.2).

ClinVar aggregate classification (germline): Uncertain significance (1 of 4 stars; one submission).

Conditions:
Myoclonic dystonia 11 (DYT11). Also called: Myoclonic dystonia; Dystonia 11; Dystonia, alcohol responsive; Hereditary essential myoclonus; SGCE Myoclonus-Dystonia; Myoclonus-Dystonia. Identifiers: Orphanet 36899, MedGen C1834570, MONDO:0008044, OMIM 159900.

gnomAD v4.1: 29 of 1,593,276 alleles (0.0018%); highest among the groups gnomAD compares: South Asian, 0.032%; 2 homozygotes.

Submission:

Labcorp Genetics (formerly Invitae), Labcorp
Classification: Uncertain significance for Myoclonic dystonia 11. Last evaluated: 2024-07-31. Review status: criteria provided, single submitter. Criteria: Invitae Variant Classification Sherloc (09022015). Collection method: clinical testing. Allele origin: germline.
Comment: This sequence change replaces isoleucine, which is neutral and non-polar, with threonine, which is neutral and polar, at codon 150 of the SGCE protein (p.Ile150Thr). This variant is present in population databases (rs572107071, gnomAD 0.05%), and has an allele count higher than expected for a pathogenic variant. This variant has not been reported in the literature in individuals affected with SGCE-related conditions. An algorithm developed to predict the effect of missense changes on protein structure and function outputs the following: PolyPhen-2: "Benign". The threonine amino acid residue is found in multiple mammalian species, which suggests that this missense change does not adversely affect protein function. In summary, the available evidence is currently insufficient to determine the role of this variant in disease. Therefore, it has been classified as a Variant of Uncertain Significance.